The following is an entry in ClinVar:

NM_005802.5(TOPORS):c.2018G>A (p.Arg673His)

Gene: TOPORS (TOP1 binding arginine/serine rich protein, E3 ubiquitin ligase; minus strand). Cytogenetic location: 9p21.1.
Variant type: single nucleotide variant.
Coding change: c.2018G>A on transcript NM_005802.5 (MANE Select); coding-DNA position 2018, G replaced by A.
Protein change: p.Arg673His; replaces arginine 673 with histidine.
Molecular consequence: missense variant.
Genome position (GRCh38, 1-based): chr9:32,542,507, C>T on the plus strand (G>A on the coding strand, the complement: TOPORS is on the minus strand). VCF-style: chr9-32542507-C-T. GRCh37 (hg19) VCF-style: chr9-32542505-C-T.
Other names: c.1823G>A, p.Arg608His (NM_001195622.2); short protein forms R608H, R673H.
Identifiers: ClinVar variation 1015989 (VCV001015989.8), dbSNP rs147497536, ClinGen allele CA5020428.

ClinVar aggregate classification (germline): Uncertain significance (1 of 4 stars; one submission).

Allele frequency attached by ClinVar (database versions not stated): TOPMed 0.00002.
gnomAD v4.1: 9 of 1,613,882 alleles (0.00056%); highest among the groups gnomAD compares: East Asian, 0.0045%; no homozygotes.

Submission:

Labcorp Genetics (formerly Invitae), Labcorp
Classification: Uncertain significance. Last evaluated: 2020-09-11. Review status: criteria provided, single submitter. Criteria: Invitae Variant Classification Sherloc (09022015). Collection method: clinical testing. Allele origin: germline.
Comment: In summary, the available evidence is currently insufficient to determine the role of this variant in disease. Therefore, it has been classified as a Variant of Uncertain Significance. Algorithms developed to predict the effect of missense changes on protein structure and function output the following: SIFT: "Deleterious"; PolyPhen-2: "Not Available"; Align-GVGD: "Class C0". The histidine amino acid residue is found in multiple mammalian species, suggesting that this missense change does not adversely affect protein function. These predictions have not been confirmed by published functional studies and their clinical significance is uncertain. This variant has not been reported in the literature in individuals with TOPORS-related conditions. This variant is present in population databases (rs147497536, ExAC 0.01%). This sequence change replaces arginine with histidine at codon 673 of the TOPORS protein (p.Arg673His). The arginine residue is highly conserved and there is a small physicochemical difference between arginine and histidine.